The following is an entry in ClinVar:

ClinVar aggregate classification (germline): Uncertain significance (1 of 4 stars; one submission).

Submission:

GeneDx
Classification: Uncertain significance. Last evaluated: 2024-11-13. Review status: criteria provided, single submitter. Criteria: GeneDx Variant Classification Process June 2021. Collection method: clinical testing. Allele origin: germline. Affected: yes.
Comment: Not observed at significant frequency in large population cohorts (gnomAD); In silico analysis supports that this missense variant has a deleterious effect on protein structure/function; Has not been previously published as pathogenic or benign to our knowledge

NM_000441.2(SLC26A4):c.2231A>G (p.Glu744Gly)

Gene: SLC26A4 (solute carrier family 26 member 4; plus strand). Cytogenetic location: 7q22.3.
Variant type: single nucleotide variant.
Coding change: c.2231A>G on transcript NM_000441.2 (MANE Select); coding-DNA position 2231, A replaced by G.
Protein change: p.Glu744Gly; replaces glutamic acid 744 with glycine.
Molecular consequence: missense variant.
Genome position (GRCh38, 1-based): chr7:107,710,195, A>G. VCF-style: chr7-107710195-A-G. GRCh37 (hg19) VCF-style: chr7-107350640-A-G.
Other names: short protein forms E744G.
Identifiers: ClinVar variation 3899649 (VCV003899649.1).